The following is an entry in ClinVar:

NM_032776.3(JMJD1C):c.4730A>G (p.Glu1577Gly)

Gene: JMJD1C (jumonji domain containing 1C; minus strand). Cytogenetic location: 10q21.3.
Variant type: single nucleotide variant.
Coding change: c.4730A>G on transcript NM_032776.3 (MANE Select); coding-DNA position 4730, A replaced by G.
Protein change: p.Glu1577Gly; replaces glutamic acid 1577 with glycine.
Molecular consequence: missense variant. On other transcripts: non-coding transcript variant (1).
Genome position (GRCh38, 1-based): chr10:63,206,939, T>C on the plus strand (A>G on the coding strand, the complement: JMJD1C is on the minus strand). VCF-style: chr10-63206939-T-C. GRCh37 (hg19) VCF-style: chr10-64966699-T-C.
Other names: c.4184A>G, p.Glu1395Gly (NM_001282948.2, NM_001318154.2); c.3866A>G, p.Glu1289Gly (NM_001318153.2); c.4616A>G, p.Glu1539Gly (NM_001322252.2); c.4073A>G, p.Glu1358Gly (NM_001322254.2, NM_001322258.2); c.4730A>G (NM_032776.1); short protein forms E1539G, E1358G, E1395G, E1289G, E1577G.
Identifiers: ClinVar variation 948017 (VCV000948017.10), dbSNP rs368852030, ClinGen allele CA5518219.

ClinVar aggregate classification (germline): Uncertain significance. Review status: criteria provided, multiple submitters, no conflicts (2 of 4 stars). 2 submissions from 2 submitters: Uncertain significance (2). Last evaluated 2024-09-14.

Conditions:
Early Myoclonic Encephalopathy. Identifiers: MedGen C0270855.

Allele frequency attached by ClinVar (database versions not stated): ExAC 0.00003; gnomAD exomes 0.00004 and 0.00011; TOPMed 0.00003; ESP Exome Variant Server 0.00009; gnomAD 0.00006.
gnomAD v4.1: 168 of 1,612,296 alleles (0.01%); highest among the groups gnomAD compares: Non-Finnish European, 0.014%; no homozygotes.

Submissions (2):

Labcorp Genetics (formerly Invitae), Labcorp
Classification: Uncertain significance for Early Myoclonic Encephalopathy. Last evaluated: 2024-09-14. Review status: criteria provided, single submitter. Criteria: Invitae Variant Classification Sherloc (09022015). Collection method: clinical testing. Allele origin: germline.
Comment: This sequence change replaces glutamic acid, which is acidic and polar, with glycine, which is neutral and non-polar, at codon 1577 of the JMJD1C protein (p.Glu1577Gly). This variant is present in population databases (rs368852030, gnomAD 0.009%). This variant has not been reported in the literature in individuals affected with JMJD1C-related conditions. ClinVar contains an entry for this variant (Variation ID: 948017). Invitae Evidence Modeling of protein sequence and biophysical properties (such as structural, functional, and spatial information, amino acid conservation, physicochemical variation, residue mobility, and thermodynamic stability) has been performed for this missense variant. However, the output from this modeling did not meet the statistical confidence thresholds required to predict the impact of this variant on JMJD1C protein function. In summary, the available evidence is currently insufficient to determine the role of this variant in disease. Therefore, it has been classified as a Variant of Uncertain Significance.

Ambry Genetics
Classification: Uncertain significance. Last evaluated: 2024-01-02. Review status: criteria provided, single submitter. Criteria: Ambry Variant Classification Scheme 2023. Collection method: clinical testing. Allele origin: germline.